The following is an entry in ClinVar:

ClinVar aggregate classification (germline): Uncertain significance (1 of 4 stars; one submission).

Conditions:
Hereditary cancer-predisposing syndrome. Also called: Tumor predisposition; Hereditary Cancer Syndrome; Hereditary neoplastic syndrome; Neoplastic Syndromes, Hereditary. Identifiers: Orphanet 140162, MedGen C0027672, MeSH D009386, MONDO:0015356.

Submission:

Ambry Genetics
Classification: Uncertain significance for Hereditary cancer-predisposing syndrome. Last evaluated: 2025-10-06. Review status: criteria provided, single submitter. Criteria: Ambry Variant Classification Scheme 2023. Collection method: clinical testing. Allele origin: germline.
Comment: The p.A636D variant (also known as c.1907C>A), located in coding exon 11 of the SMARCA4 gene, results from a C to A substitution at nucleotide position 1907. The alanine at codon 636 is replaced by aspartic acid, an amino acid with dissimilar properties. This amino acid position is conserved. In addition, this alteration is predicted to be deleterious by in silico analysis. Based on the available evidence, the clinical significance of this variant remains unclear.

NM_003072.5(SMARCA4):c.1907C>A (p.Ala636Asp)

Gene: SMARCA4 (SWI/SNF related BAF chromatin remodeling complex subunit ATPase 4; plus strand). Cytogenetic location: 19p13.2.
Variant type: single nucleotide variant.
Coding change: c.1907C>A on transcript NM_003072.5 (MANE Select); coding-DNA position 1907, C replaced by A.
Protein change: p.Ala636Asp; replaces alanine 636 with aspartic acid.
Molecular consequence: missense variant. On other transcripts: non-coding transcript variant (1).
Genome position (GRCh38, 1-based): chr19:11,003,123, C>A. VCF-style: chr19-11003123-C-A. GRCh37 (hg19) VCF-style: chr19-11113799-C-A.
Other names: c.1907C>A, p.Ala636Asp (NM_001128844.3, NM_001128845.2, NM_001128846.2 and 6 more transcripts); short protein forms A636D.
Identifiers: ClinVar variation 4549325 (VCV004549325.1).
Genomic context (GRCh38, chr19:11,003,123, plus strand): 5'-CGGTGAAGGTGATCCACGTGGAGAGTGGGAAGATCCTCACAGGCACAGATGCCCCCAAAG[C>A]CGGGCAGCTGGAGGCCTGGCTCGAGATGAACCCGGGGTGAGTTGGGCCTTGCATTCCAGA-3'
Protein context (NP_003063.2, residues 626-646): KILTGTDAPK[Ala636Asp]GQLEAWLEMN